The following is an entry in ClinVar:

NM_001267550.2(TTN):c.52852C>A (p.Arg17618Ser)

Genes: TTN (titin; minus strand), TTN-AS1 (TTN antisense RNA 1; plus strand), LOC126806425 (BRD4-independent group 4 enhancer GRCh37_chr2:179471933-179473132; plus strand). Cytogenetic location: 2q31.2.
Variant type: single nucleotide variant.
Coding change: c.52852C>A on transcript NM_001267550.2 (MANE Select); coding-DNA position 52852, C replaced by A.
Protein change: p.Arg17618Ser; replaces arginine 17618 with serine.
Molecular consequence: missense variant.
Genome position (GRCh38, 1-based): chr2:178,607,935, G>T on the plus strand (C>A on the coding strand, the complement: TTN is on the minus strand). VCF-style: chr2-178607935-G-T. GRCh37 (hg19) VCF-style: chr2-179472662-G-T.
Other names: c.47929C>A, p.Arg15977Ser (NM_001256850.1); c.25657C>A, p.Arg8553Ser (NM_003319.4); c.45148C>A, p.Arg15050Ser (NM_133378.4); c.26032C>A, p.Arg8678Ser (NM_133432.3); c.26233C>A, p.Arg8745Ser (NM_133437.4); short protein forms R15050S, R15977S, R17618S, R8553S, R8678S, R8745S.
Identifiers: ClinVar variation 4535668 (VCV004535668.1).

ClinVar aggregate classification (germline): Uncertain significance (1 of 4 stars; one submission).

gnomAD v4.1: 17 of 1,612,786 alleles (0.0011%); highest among the groups gnomAD compares: Non-Finnish European, 0.0012%; no homozygotes.

Submission:

Women's Health and Genetics/Laboratory Corporation of America, LabCorp
Classification: Uncertain significance. Last evaluated: 2025-09-08. Review status: criteria provided, single submitter. Criteria: LabCorp Variant Classification Summary - May 2015. Collection method: clinical testing. Allele origin: germline.
Comment: Variant summary: TTN NM_133378 c.45148C>A (p.Arg15050Ser), also known as NM_001267550 c.52852C>A p.Arg17618Ser and NM_133379 c.*137650C>A, results in a non-conservative amino acid change in the encoded protein sequence. Algorithms developed to predict the effect of missense changes on protein structure and function are either unavailable or do not agree on the potential impact of this missense change. The variant allele was found at a frequency of 4e-06 in 248616 control chromosomes. The available data on variant occurrences in the general population are insufficient to allow any conclusion about variant significance. To our knowledge, no occurrence of c.45148C>A in individuals affected with TTN-related conditions and no experimental evidence demonstrating its impact on protein function have been reported. No submitters have cited clinical-significance assessments for this variant to ClinVar. Based on the evidence outlined above, the variant was classified as uncertain significance.